The following is an entry in ClinVar:

NM_006206.6(PDGFRA):c.2344C>G (p.Leu782Val)

Gene: PDGFRA (platelet derived growth factor receptor alpha; plus strand). Cytogenetic location: 4q12.
Variant type: single nucleotide variant.
Coding change: c.2344C>G on transcript NM_006206.6 (MANE Select); coding-DNA position 2344, C replaced by G.
Protein change: p.Leu782Val; replaces leucine 782 with valine.
Molecular consequence: missense variant.
Genome position (GRCh38, 1-based): chr4:54,285,391, C>G. VCF-style: chr4-54285391-C-G. GRCh37 (hg19) VCF-style: chr4-55151558-C-G.
Other names: c.2419C>G, p.Leu807Val (NM_001347828.2); c.2344C>G, p.Leu782Val (NM_001347829.2); c.2383C>G, p.Leu795Val (NM_001347830.2); short protein forms L795V, L782V, L807V.
Identifiers: ClinVar variation 638914 (VCV000638914.9), dbSNP rs1577741455, ClinGen allele CA356894621.

ClinVar aggregate classification (germline): Uncertain significance (1 of 4 stars; one submission).

Conditions:
Gastrointestinal stromal tumor. Also called: Gastrointestinal stromal tumor, somatic; Gastrointestinal stroma tumor. Identifiers: Orphanet 44890, MedGen C0238198, MeSH D046152, MONDO:0011719, OMIM 606764, HP:0100723.

gnomAD v4.1: 1 of 1,497,768 alleles (0.000067%); highest among the groups gnomAD compares: Non-Finnish European, 0.000093%; no homozygotes.

Submission:

Labcorp Genetics (formerly Invitae), Labcorp
Classification: Uncertain significance for Gastrointestinal stromal tumor. Last evaluated: 2018-12-06. Review status: criteria provided, single submitter. Criteria: Invitae Variant Classification Sherloc (09022015). Collection method: clinical testing. Allele origin: germline.
Comment: In summary, the available evidence is currently insufficient to determine the role of this variant in disease. Therefore, it has been classified as a Variant of Uncertain Significance. This sequence change replaces leucine with valine at codon 782 of the PDGFRA protein (p.Leu782Val). The leucine residue is highly conserved and there is a small physicochemical difference between leucine and valine. This variant is not present in population databases (ExAC no frequency). This variant has not been reported in the literature in individuals with PDGFRA-related conditions. Algorithms developed to predict the effect of missense changes on protein structure and function are either unavailable or do not agree on the potential impact of this missense change (SIFT: "Tolerated"; PolyPhen-2: "Benign"; Align-GVGD: "Class C0").